The following is an entry in ClinVar:

ClinVar aggregate classification (germline): Uncertain significance (1 of 4 stars; one submission).

Submission:

GeneDx
Classification: Uncertain significance. Last evaluated: 2024-07-18. Review status: criteria provided, single submitter. Criteria: GeneDx Variant Classification Process June 2021. Collection method: clinical testing. Allele origin: germline. Affected: yes.
Comment: Not observed at significant frequency in large population cohorts (gnomAD); In silico analysis supports that this missense variant has a deleterious effect on protein structure/function; Has not been previously published as pathogenic or benign to our knowledge

NM_001394998.1(TANC2):c.1405C>A (p.Gln469Lys)

Gene: TANC2 (tetratricopeptide repeat, ankyrin repeat and coiled-coil containing 2; plus strand). Cytogenetic location: 17q23.3.
Variant type: single nucleotide variant.
Coding change: c.1405C>A on transcript NM_001394998.1 (MANE Select); coding-DNA position 1405, C replaced by A.
Protein change: p.Gln469Lys; replaces glutamine 469 with lysine.
Molecular consequence: missense variant.
Genome position (GRCh38, 1-based): chr17:63,314,633, C>A. VCF-style: chr17-63314633-C-A. GRCh37 (hg19) VCF-style: chr17-61391994-C-A.
Other names: c.1183C>A, p.Gln395Lys (NM_001411076.1, NM_025185.4); short protein forms Q395K, Q469K.
Identifiers: ClinVar variation 3600825 (VCV003600825.1).